The following is an entry in ClinVar:

ClinVar aggregate classification (germline): Benign. Review status: criteria provided, multiple submitters, no conflicts (2 of 4 stars). 2 submissions from 2 submitters: Benign (2). Last evaluated 2023-11-12.

Submissions (2):

Unidad de Genómica Garrahan, Hospital de Pediatría Garrahan
Classification: Benign. Last evaluated: 2023-11-12. Review status: criteria provided, single submitter. Criteria: ACMG Guidelines, 2015. Collection method: clinical testing. Allele origin: germline. Affected: no. Observed: 25 variant alleles.
Comment: This variant is classified as Benign based on local population frequency. This variant was detected in 26% of patients studied by a panel of primary immunodeficiencies. Number of patients: 25. Only high quality variants are reported.

GeneDx
Classification: Benign. Last evaluated: 2021-06-19. Review status: criteria provided, single submitter. Criteria: GeneDx Variant Classification Process June 2021. Collection method: clinical testing. Allele origin: germline. Affected: yes.

NM_001128148.3(TFRC):c.2041-113_2041-109del

Gene: TFRC (transferrin receptor; minus strand). Cytogenetic location: 3q29.
Variant type: Deletion.
Coding change: c.2041-113_2041-109del on transcript NM_001128148.3 (MANE Select); 113 bases into the intron before coding-DNA position 2041 through 109 bases into the intron before coding-DNA position 2041, 5 bases deleted (AAAAA; older notation c.2041-113_2041-109delAAAAA).
Molecular consequence: intron variant.
Genome position (GRCh38, 1-based): chr3:196,052,293-196,052,297, TTTTT deleted on the plus strand (AAAAA on the coding strand, the reverse complement: TFRC is on the minus strand); deleting any 5 consecutive bases within chr3:196,052,293-196,052,315 gives the same sequence; the c. name uses the placement nearest the transcript's 3' end. VCF-style (leftmost placement, unchanged base first): chr3-196052292-CTTTTT-C. GRCh37 (hg19) VCF-style: chr3-195779163-CTTTTT-C.
Other names: c.1195-113_1195-109del (NM_001313966.2); c.1798-113_1798-109del (NM_001313965.2); c.2041-113_2041-109del (NM_003234.4).
Identifiers: ClinVar variation 1230076 (VCV001230076.5), dbSNP rs529214594, ClinGen allele CA90740480.